The following is an entry in ClinVar:

NM_001805.4(CEBPE):c.10G>A (p.Gly4Arg)

Gene: CEBPE (CCAAT enhancer binding protein epsilon; minus strand). Cytogenetic location: 14q11.2.
Variant type: single nucleotide variant.
Coding change: c.10G>A on transcript NM_001805.4 (MANE Select); coding-DNA position 10, G replaced by A.
Protein change: p.Gly4Arg; replaces glycine 4 with arginine.
Molecular consequence: missense variant.
Genome position (GRCh38, 1-based): chr14:23,119,082, C>T on the plus strand (G>A on the coding strand, the complement: CEBPE is on the minus strand). VCF-style: chr14-23119082-C-T. GRCh37 (hg19) VCF-style: chr14-23588291-C-T.
Other names: short protein forms G4R.
Identifiers: ClinVar variation 1056088 (VCV001056088.7), dbSNP rs545367685, ClinGen allele CA7111322.

ClinVar aggregate classification (germline): Uncertain significance (1 of 4 stars; one submission).

Conditions:
Specific granule deficiency. Identifiers: Orphanet 169142, MedGen C0398593, MONDO:0009506.

Allele frequency attached by ClinVar (database versions not stated): ExAC 0.00007; 1000 Genomes Project 30x 0.00016; 1000 Genomes Project 0.00020.

Submission:

Labcorp Genetics (formerly Invitae), Labcorp
Classification: Uncertain significance for Specific granule deficiency. Last evaluated: 2020-05-24. Review status: criteria provided, single submitter. Criteria: Invitae Variant Classification Sherloc (09022015). Collection method: clinical testing. Allele origin: germline.
Comment: In summary, the available evidence is currently insufficient to determine the role of this variant in disease. Therefore, it has been classified as a Variant of Uncertain Significance. Algorithms developed to predict the effect of sequence changes on RNA splicing suggest that this variant may create or strengthen a splice site, but this prediction has not been confirmed by published transcriptional studies. Algorithms developed to predict the effect of missense changes on protein structure and function (SIFT, PolyPhen-2, Align-GVGD) all suggest that this variant is likely to be tolerated, but these predictions have not been confirmed by published functional studies and their clinical significance is uncertain. This variant has not been reported in the literature in individuals with CEBPE-related conditions. This variant is present in population databases (rs545367685, ExAC 0.05%). This sequence change replaces glycine with arginine at codon 4 of the CEBPE protein (p.Gly4Arg). The glycine residue is moderately conserved and there is a moderate physicochemical difference between glycine and arginine.